The following is an entry in ClinVar:

NM_001378477.3(NYX):c.22+1G>A

Gene: NYX (nyctalopin; plus strand). Cytogenetic location: Xp11.4.
Variant type: single nucleotide variant.
Coding change: c.22+1G>A on transcript NM_001378477.3 (MANE Select); the canonical splice donor site of the intron after coding-DNA position 22, G replaced by A.
Molecular consequence: splice donor variant.
Genome position (GRCh38, 1-based): chrX:41,447,927, G>A. VCF-style: chrX-41447927-G-A. GRCh37 (hg19) VCF-style: chrX-41307180-G-A.
Other names: c.22+1G>A (NM_022567.3).
Identifiers: ClinVar variation 4533226 (VCV004533226.1).

ClinVar aggregate classification (germline): Uncertain significance (1 of 4 stars; one submission).

Conditions:
Congenital stationary night blindness 1A (CSNB1A). Also called: Night blindness, congenital stationary (complete), 1A, X-linked; CSNB, COMPLETE, X-LINKED; NYX-Related X-Linked Congenital Stationary Night Blindness; HEMERALOPIA-MYOPIA; MYOPIA-NIGHT BLINDNESS; NIGHT BLINDNESS, CONGENITAL STATIONARY, WITH MYOPIA. Identifiers: Orphanet 215, MedGen C3495587, MONDO:0010690, OMIM 310500.

Submission:

Juno Genomics, Hangzhou Juno Genomics, Inc
Classification: Uncertain significance for Congenital stationary night blindness 1A. Review status: criteria provided, single submitter. Criteria: ACMG Guidelines, 2015. Collection method: clinical testing. Allele origin: germline. Affected: yes.
Comment: Absent from controls (or at extremely low frequency if recessive) in Genome Aggregation Database, Exome Sequencing Project, 1000 Genomes Project, or Exome Aggregation Consortium.;Null variant in a gene where loss of function (LOF) is a known mechanism of disease.